The following is an entry in ClinVar:

ClinVar aggregate classification (germline): Uncertain significance (1 of 4 stars; one submission).

Conditions:
Bardet-Biedl syndrome (BBS). Identifiers: Orphanet 110, MedGen C0752166, MONDO:0015229.

Submission:

Labcorp Genetics (formerly Invitae), Labcorp
Classification: Uncertain significance for Bardet-Biedl syndrome. Last evaluated: 2021-08-20. Review status: criteria provided, single submitter. Criteria: Invitae Variant Classification Sherloc (09022015). Collection method: clinical testing. Allele origin: germline.
Comment: This sequence change replaces lysine with asparagine at codon 400 of the BBS4 protein (p.Lys400Asn). The lysine residue is moderately conserved and there is a moderate physicochemical difference between lysine and asparagine. This variant is not present in population databases (ExAC no frequency). This variant has not been reported in the literature in individuals affected with BBS4-related conditions. Algorithms developed to predict the effect of missense changes on protein structure and function (SIFT, PolyPhen-2, Align-GVGD) all suggest that this variant is likely to be tolerated. In summary, the available evidence is currently insufficient to determine the role of this variant in disease. Therefore, it has been classified as a Variant of Uncertain Significance.

NM_033028.5(BBS4):c.1200G>C (p.Lys400Asn)

Gene: BBS4 (Bardet-Biedl syndrome 4; plus strand). Cytogenetic location: 15q24.1.
Variant type: single nucleotide variant.
Coding change: c.1200G>C on transcript NM_033028.5 (MANE Select); coding-DNA position 1200, G replaced by C.
Protein change: p.Lys400Asn; replaces lysine 400 with asparagine.
Molecular consequence: missense variant. On other transcripts: non-coding transcript variant (2).
Genome position (GRCh38, 1-based): chr15:72,735,918, G>C. VCF-style: chr15-72735918-G-C. GRCh37 (hg19) VCF-style: chr15-73028259-G-C.
Other names: c.684G>C, p.Lys228Asn (NM_001252678.2); c.1131G>C, p.Lys377Asn (NM_001320665.2); short protein forms K377N, K228N, K400N.
Identifiers: ClinVar variation 839835 (VCV000839835.7), dbSNP rs1295583634, ClinGen allele CA393080153.
Genomic context (GRCh38, chr15:72,735,918, plus strand): 5'-GCTGCTGTACAACCAGGGCGAGAAGAAGAACGCCCTGGCCCAATATCAGGAGATGGAGAA[G>C]AAAGTCAGCCTACTCAAGGACAATAGCTCTCTGGAATTTGACTCTGAGGTATGTCTTTTA-3'
Protein context (NP_149017.2, residues 390-410): NALAQYQEME[Lys400Asn]KVSLLKDNSS